The following is an entry in ClinVar:

ClinVar aggregate classification (germline): Uncertain significance (1 of 4 stars; one submission).

Conditions:
Tay-Sachs disease (TSD). Also called: HEXA DEFICIENCY; GM2 gangliosidosis, type 1; Hexosaminidase alpha-subunit deficiency (variant B); Sphingolipidosis, Tay-Sachs; Hexosaminidase A Deficiency; HEXA Disorders. Identifiers: Orphanet 845, MedGen C0039373, MONDO:0010100, OMIM 272800.

Submission:

Labcorp Genetics (formerly Invitae), Labcorp
Classification: Uncertain significance for Tay-Sachs disease. Last evaluated: 2021-07-15. Review status: criteria provided, single submitter. Criteria: Invitae Variant Classification Sherloc (09022015). Collection method: clinical testing. Allele origin: germline.
Comment: In summary, the available evidence is currently insufficient to determine the role of this variant in disease. Therefore, it has been classified as a Variant of Uncertain Significance. Algorithms developed to predict the effect of missense changes on protein structure and function are either unavailable or do not agree on the potential impact of this missense change (SIFT: "Deleterious"; PolyPhen-2: "Benign"; Align-GVGD: "Class C0"). This variant has not been reported in the literature in individuals affected with HEXA-related conditions. This variant is not present in population databases (ExAC no frequency). This sequence change replaces threonine with arginine at codon 494 of the HEXA protein (p.Thr494Arg). The threonine residue is weakly conserved and there is a moderate physicochemical difference between threonine and arginine.

NM_000520.6(HEXA):c.1481C>G (p.Thr494Arg)

Gene: HEXA (hexosaminidase subunit alpha; minus strand). Cytogenetic location: 15q23.
Variant type: single nucleotide variant.
Coding change: c.1481C>G on transcript NM_000520.6 (MANE Select); coding-DNA position 1481, C replaced by G.
Protein change: p.Thr494Arg; replaces threonine 494 with arginine.
Molecular consequence: missense variant. On other transcripts: non-coding transcript variant (1).
Genome position (GRCh38, 1-based): chr15:72,345,491, G>C on the plus strand (C>G on the coding strand, the complement: HEXA is on the minus strand). VCF-style: chr15-72345491-G-C. GRCh37 (hg19) VCF-style: chr15-72637832-G-C.
Other names: c.1514C>G, p.Thr505Arg (NM_001318825.2); short protein forms T494R, T505R.
Identifiers: ClinVar variation 1480607 (VCV001480607.8), dbSNP rs2088600017, ClinGen allele CA393058681.